The following is an entry in ClinVar:

NM_032270.5(LRRC8C):c.91C>T (p.Leu31Phe)

Gene: LRRC8C (leucine rich repeat containing 8 VRAC subunit C; plus strand). Cytogenetic location: 1p22.2.
Variant type: single nucleotide variant.
Coding change: c.91C>T on transcript NM_032270.5 (MANE Select); coding-DNA position 91, C replaced by T.
Protein change: p.Leu31Phe; replaces leucine 31 with phenylalanine.
Molecular consequence: missense variant.
Genome position (GRCh38, 1-based): chr1:89,686,564, C>T. VCF-style: chr1-89686564-C-T. GRCh37 (hg19) VCF-style: chr1-90152123-C-T.
Other names: short protein forms L31F.
Identifiers: ClinVar variation 4991450 (VCV004991450.1).

ClinVar aggregate classification (germline): Uncertain significance (1 of 4 stars; one submission).

Conditions:
LRRC8C-related condition.

Submission:

PreventionGenetics, part of Exact Sciences
Classification: Uncertain significance for LRRC8C-related condition. Last evaluated: 2026-08-28. Review status: criteria provided, single submitter. Criteria: ACMG Guidelines, 2015. Collection method: clinical testing. Allele origin: germline.
Comment: The LRRC8C c.91C>T variant is predicted to result in the amino acid substitution p.Leu31Phe. To our knowledge, this variant has not been reported in the literature or in a large population database (gnomAD), indicating this variant is rare. At this time, the clinical significance of this variant is uncertain due to the absence of conclusive functional and genetic evidence.